The following is an entry in ClinVar:

NM_004746.4(DLGAP1):c.1434G>T (p.Ala478=)

Gene: DLGAP1 (DLG associated protein 1; minus strand). Cytogenetic location: 18p11.31.
Variant type: single nucleotide variant.
Coding change: c.1434G>T on transcript NM_004746.4 (MANE Select); coding-DNA position 1434, G replaced by T.
Protein change: p.Ala478=; no amino-acid change (alanine 478 retained).
Molecular consequence: synonymous variant.
Genome position (GRCh38, 1-based): chr18:3,729,292, C>A on the plus strand (G>T on the coding strand, the complement: DLGAP1 is on the minus strand). VCF-style: chr18-3729292-C-A. GRCh37 (hg19) VCF-style: chr18-3729292-C-A.
Other names: c.528G>T, p.Ala176= (NM_001003809.3, NM_001242765.2, NM_001242766.2 and 1 more transcripts); c.1434G>T, p.Ala478= (NM_001242761.2, NM_001398525.1, NM_001398526.1 and 2 more transcripts); c.570G>T, p.Ala190= (NM_001242762.2, NM_001242763.2, NM_001398533.1 and 2 more transcripts); c.552G>T, p.Ala184= (NM_001242764.2, NM_001308390.2, NM_001398541.1 and 2 more transcripts); c.684G>T, p.Ala228= (NM_001398530.1, NM_001398535.1); c.666G>T, p.Ala222= (NM_001398531.1, NM_001398537.1); c.558G>T, p.Ala186= (NM_001398532.1, NM_001398534.1, NM_001398540.1 and 1 more transcripts); c.642G>T, p.Ala214= (NM_001398536.1).
Identifiers: ClinVar variation 3047198 (VCV003047198.2), dbSNP rs142690410, ClinGen allele CA8876454.

ClinVar aggregate classification (germline): Likely benign (0 of 4 stars; one submission).

Conditions:
DLGAP1-related disorder. Also called: DLGAP1-related condition.

Allele frequency attached by ClinVar (database versions not stated): TOPMed 0.00002; ESP Exome Variant Server 0.00008.
gnomAD v4.1: 175 of 1,613,986 alleles (0.011%); highest among the groups gnomAD compares: Non-Finnish European, 0.015%; no homozygotes.

Submission:

PreventionGenetics, part of Exact Sciences
Classification: Likely benign for DLGAP1-related condition. Last evaluated: 2019-04-25. Review status: no assertion criteria provided. Collection method: clinical testing. Allele origin: germline.
Comment: This variant is classified as likely benign based on ACMG/AMP sequence variant interpretation guidelines (Richards et al. 2015 PMID: 25741868, with internal and published modifications).